The following is an entry in ClinVar:

NM_017534.6(MYH2):c.1313del (p.Met438fs)

Genes: MYHAS (myosin heavy chain gene cluster antisense RNA; plus strand), MYH2 (myosin heavy chain 2; minus strand). Cytogenetic location: 17p13.1.
Variant type: Deletion.
Coding change: c.1313del on transcript NM_017534.6 (MANE Select); coding-DNA position 1313, one base deleted (T; older notation c.1313delT).
Protein change: p.Met438fs; shifts the reading frame from methionine 438.
Molecular consequence: frameshift variant.
Genome position (GRCh38, 1-based): chr17:10,539,308, A deleted on the plus strand (T on the coding strand, the reverse complement: MYH2 is on the minus strand). VCF-style (leftmost placement, unchanged base first): chr17-10539307-CA-C. GRCh37 (hg19) VCF-style: chr17-10442624-CA-C.
Other names: NM_001100112.2:c.1313del; c.1313del, p.Met438fs (NM_001100112.2); short protein forms M438fs.
Identifiers: ClinVar variation 2412748 (VCV002412748.1), dbSNP rs1234832404, ClinGen allele CA624877856.

ClinVar aggregate classification (germline): Likely pathogenic (1 of 4 stars; one submission).

Conditions:
Myopathy, proximal, and ophthalmoplegia (CMYO6). Also called: MYOPATHY WITH CONGENITAL JOINT CONTRACTURES, OPHTHALMOPLEGIA, AND RIMMED VACUOLES; INCLUSION BODY MYOPATHY 3, AUTOSOMAL DOMINANT; CONGENITAL MYOPATHY 6 WITH OPHTHALMOPLEGIA. Identifiers: Orphanet 363677, Orphanet 79091, MedGen C1854106, MONDO:0011577, OMIM 605637.

Allele frequency attached by ClinVar (database versions not stated): gnomAD exomes below 0.00001.

Submission:

Broad Center for Mendelian Genomics, Broad Institute of MIT and Harvard
Classification: Likely pathogenic for Myopathy, proximal, and ophthalmoplegia. Last evaluated: 2023-01-25. Review status: criteria provided, single submitter. Criteria: ACMG Guidelines, 2015. Collection method: curation. Allele origin: germline. Inheritance: Autosomal recessive inheritance.
Comment: The p.Met438SerfsTer145 in MYH2 has not been previously reported in individuals with proximal myopathy with ophthalmoplegia but has been identified in 0.0009% (1/113750) of European (non-Finnish) chromosomes by the Genome Aggregation Database (gnomAD; dbSNP ID: rs1234832404). Although this variant has been seen in the general population in a heterozygous state, its frequency is low enough to be consistent with a recessive carrier frequency. This variant is predicted to cause a frameshift, which alters the protein‚Äôs amino acid sequence beginning at position 438 and leads to a premature termination codon 145 amino acids downstream. This alteration is then predicted to lead to a truncated or absent protein. Loss of function of the MYH2 gene is an established disease mechanism in autosomal recessive proximal myopathy with ophthalmoplegia. In summary, although additional studies are required to fully establish its clinical significance, this variant is likely pathogenic for proximal myopathy with ophthalmoplegia. ACMG/AMP Criteria applied: PVS1, PM2_Supporting (Richards 2015).